The following is an entry in ClinVar:

NM_000138.5(FBN1):c.8547T>A (p.Tyr2849Ter)

Gene: FBN1 (fibrillin 1; minus strand). Cytogenetic location: 15q21.1.
Variant type: single nucleotide variant.
Coding change: c.8547T>A on transcript NM_000138.5 (MANE Select); coding-DNA position 8547, T replaced by A.
Protein change: p.Tyr2849Ter; replaces tyrosine 2849 with a stop codon.
Molecular consequence: nonsense.
Genome position (GRCh38, 1-based): chr15:48,411,059, A>T on the plus strand (T>A on the coding strand, the complement: FBN1 is on the minus strand). VCF-style: chr15-48411059-A-T. GRCh37 (hg19) VCF-style: chr15-48703256-A-T.
Other names: c.8547T>A, p.Tyr2849Ter (NM_001406716.1); short protein forms Y2849*.
Identifiers: ClinVar variation 1763801 (VCV001763801.2), dbSNP rs2042856892, ClinGen allele CA392318573.
Genomic context (GRCh38, chr15:48,411,059, plus strand): 5'-CAAAACCTGGATTTTCATCTTCAGATTATCACCCAGTTCACCACTGAGGTAGTCTTTGTC[A>T]TATTTGTCTTCTAGTTGGTTAAGTTCTTTCTTTTTATAAAGTGGAGTACTACTGATTTGT-3'

ClinVar aggregate classification (germline): Pathogenic (1 of 4 stars; one submission).

Conditions:
Familial thoracic aortic aneurysm and aortic dissection (TAAD). Also called: Thoracic aortic aneurysms and dissections. Identifiers: Orphanet 91387, MedGen C4707243, MONDO:0019625.

Submission:

Ambry Genetics
Classification: Pathogenic for Familial thoracic aortic aneurysm and aortic dissection. Last evaluated: 2017-01-13. Review status: criteria provided, single submitter. Criteria: Ambry Variant Classification Scheme 2023. Collection method: clinical testing. Allele origin: germline.
Comment: The p.Y2849* pathogenic mutation (also known as c.8547T>A), located in coding exon 65 of the FBN1 gene, results from a T to A substitution at nucleotide position 8547. This changes the amino acid from a tyrosine to a stop codon within coding exon 65. This alteration was described in a family with Marfan syndrome, and was absent in one unaffected family member and healthy controls (Gao LG et al. Chin. Med. J., 2010 Oct;123:2874-8). This alteration was also reported in a cohort of patients with aortopathy and suspected Marfan syndrome; however, no clinical details were provided about the mutation carrier (Yang H et al. Sci Rep, 2016 Sep;6:33002). In addition to the clinical data presented in the literature, this alteration is expected to result in loss of function by premature protein truncation. As such, this alteration is interpreted as a disease-causing mutation.

Literature cited by the submitters: PubMed 21034599; PubMed 27611364.